The following is an entry in ClinVar:

NM_004172.5(SLC1A3):c.1032C>A (p.Asn344Lys)

Genes: SLC1A3 (solute carrier family 1 member 3; plus strand), SLC1A3-AS1 (SLC1A3 antisense RNA 1; minus strand). Cytogenetic location: 5p13.2.
Variant type: single nucleotide variant.
Coding change: c.1032C>A on transcript NM_004172.5 (MANE Select); coding-DNA position 1032, C replaced by A.
Protein change: p.Asn344Lys; replaces asparagine 344 with lysine.
Molecular consequence: missense variant.
Genome position (GRCh38, 1-based): chr5:36,679,798, C>A. VCF-style: chr5-36679798-C-A. GRCh37 (hg19) VCF-style: chr5-36679900-C-A.
Other names: c.1032C>A, p.Asn344Lys (NM_001166695.3); c.894C>A, p.Asn298Lys (NM_001289939.2); c.696C>A, p.Asn232Lys (NM_001289940.2); short protein forms N232K, N298K, N344K.
Identifiers: ClinVar variation 2112555 (VCV002112555.4), dbSNP rs926634917, ClinGen allele CA359481453.

ClinVar aggregate classification (germline): Uncertain significance (1 of 4 stars; one submission).

Submission:

Labcorp Genetics (formerly Invitae), Labcorp
Classification: Uncertain significance. Last evaluated: 2022-08-15. Review status: criteria provided, single submitter. Criteria: Invitae Variant Classification Sherloc (09022015). Collection method: clinical testing. Allele origin: germline.
Comment: In summary, the available evidence is currently insufficient to determine the role of this variant in disease. Therefore, it has been classified as a Variant of Uncertain Significance. Algorithms developed to predict the effect of missense changes on protein structure and function are either unavailable or do not agree on the potential impact of this missense change (SIFT: "Deleterious"; PolyPhen-2: "Probably Damaging"; Align-GVGD: "Class C0"). This variant has not been reported in the literature in individuals affected with SLC1A3-related conditions. This variant is not present in population databases (gnomAD no frequency). This sequence change replaces asparagine, which is neutral and polar, with lysine, which is basic and polar, at codon 344 of the SLC1A3 protein (p.Asn344Lys).